The following is an entry in ClinVar:

NM_014208.3(DSPP):c.3114C>T (p.Asp1038=)

Genes: DMP1-AS1 (DMP1 and DSPP antisense RNA 1; minus strand), DSPP (dentin sialophosphoprotein; plus strand). Cytogenetic location: 4q22.1.
Variant type: single nucleotide variant.
Coding change: c.3114C>T on transcript NM_014208.3 (MANE Select); coding-DNA position 3114, C replaced by T.
Protein change: p.Asp1038=; no amino-acid change (aspartic acid 1038 retained).
Molecular consequence: synonymous variant.
Genome position (GRCh38, 1-based): chr4:87,615,776, C>T. VCF-style: chr4-87615776-C-T. GRCh37 (hg19) VCF-style: chr4-88536928-C-T.
Identifiers: ClinVar variation 3904811 (VCV003904811.10).
Genomic context (GRCh38, chr4:87,615,776, plus strand): 5'-TAGTGACAGCAGCAATAGCAGTGACAGCAGCAACAGCAGTGACAGCAGCGATAGCAGTGA[C>T]AGCAGCGATAGCAGTGACAGCAGCGATAGCAGTGACAGCAGTGACAGCAGCAATAGCAGT-3'
Protein context (NP_055023.2, residues 1028-1048): SNSSDSSDSS[Asp1038=]SSDSSDSSDS

ClinVar aggregate classification (germline): Likely benign (1 of 4 stars; one submission).

Submission:

CeGaT Center for Human Genetics Tuebingen
Classification: Likely benign. Last evaluated: 2025-06-01. Review status: criteria provided, single submitter. Criteria: CeGaT Center For Human Genetics Tuebingen Variant Classification Criteria Version 2. Collection method: clinical testing. Allele origin: germline. Affected: yes. Observed: 1 variant allele.
Comment: DSPP: BP4, BP7